The following is an entry in ClinVar:

ClinVar aggregate classification (germline): Benign/Likely benign. Review status: criteria provided, multiple submitters, no conflicts (2 of 4 stars). 11 submissions from 10 submitters: Benign (7); Likely benign (2). 2 of the submissions do not count toward it. Last evaluated 2026-02-01.

Conditions:
LAMB2-related infantile-onset nephrotic syndrome. Also called: Nephrotic Syndrome, type 5; NEPHROTIC SYNDROME, TYPE 5, WITHOUT OCULAR ABNORMALITIES; NEPHROTIC SYNDROME, TYPE 5, WITH OCULAR ABNORMALITIES. Identifiers: Orphanet 306507, MedGen C3280113, MONDO:0013621, OMIM 614199.
Pierson syndrome. Also called: MICROCORIA-CONGENITAL NEPHROTIC SYNDROME. Identifiers: Orphanet 2670, MedGen C1836876, MONDO:0012184, OMIM 609049.
Kidney disorder. Also called: Kidney disease; Kidney Diseases; renal disorder; Nephropathy; renal disease. Identifiers: MedGen C0022658, MONDO:0005240, HP:0000112.

Allele frequency attached by ClinVar (database versions not stated): 1000 Genomes Project 30x 0.00906; 1000 Genomes Project 0.00938; TOPMed 0.01914; gnomAD 0.01976 and 0.02014; ESP Exome Variant Server 0.02168; gnomAD exomes 0.02205 and 0.02592; ExAC 0.02336.
gnomAD v4.1: 40,880 of 1,614,224 alleles (2.5%); highest among the groups gnomAD compares: Middle Eastern, 4.9%; 626 homozygotes.

Submissions (11):

Labcorp Genetics (formerly Invitae), Labcorp
Classification: Benign for LAMB2-related infantile-onset nephrotic syndrome; Pierson syndrome. Last evaluated: 2026-02-01. Review status: criteria provided, single submitter. Criteria: Invitae Variant Classification Sherloc (09022015). Collection method: clinical testing. Allele origin: germline.

Blueprint Genetics
Classification: Benign. Last evaluated: 2024-11-26. Review status: criteria provided, single submitter. Criteria: ACMG Guidelines, 2015. Collection method: clinical testing. Allele origin: germline.

Mayo Clinic Laboratories, Mayo Clinic
Classification: Benign. Last evaluated: 2024-05-15. Review status: criteria provided, single submitter. Criteria: ACMG Guidelines, 2015. Collection method: clinical testing. Allele origin: germline. Observed: 26 variant alleles.
Comment: BS1, BS2, BP4, BP7

Genome Diagnostics Laboratory, The Hospital for Sick Children
Classification: Benign for Kidney disorder. Last evaluated: 2021-12-08. Review status: criteria provided, single submitter. Criteria: ACMG Guidelines, 2015. Collection method: clinical testing. Allele origin: germline.

GeneDx
Classification: Likely benign. Last evaluated: 2021-02-25. Review status: criteria provided, single submitter. Criteria: GeneDx Variant Classification Process June 2021. Collection method: clinical testing. Allele origin: germline. Affected: yes.

Illumina Laboratory Services, Illumina
Classification: Benign for Pierson syndrome. Last evaluated: 2018-01-13. Review status: criteria provided, single submitter. Criteria: ICSL Variant Classification Criteria 13 December 2019. Collection method: clinical testing. Allele origin: germline.
Comment: This variant was observed in the ICSL laboratory as part of a predisposition screen in an ostensibly healthy population. It had not been previously curated by ICSL or reported in the Human Gene Mutation Database (HGMD: prior to June 1st, 2018), and was therefore a candidate for classification through an automated scoring system. Utilizing variant allele frequency, disease prevalence and penetrance estimates, and inheritance mode, an automated score was calculated to assess if this variant is too frequent to cause the disease. Based on the score and internal cut-off values, a variant classified as benign is not then subjected to further curation. The score for this variant resulted in a classification of benign for this disease.

Illumina Laboratory Services, Illumina
Classification: Benign for LAMB2-related infantile-onset nephrotic syndrome. Last evaluated: 2018-01-13. Review status: criteria provided, single submitter. Criteria: ICSL Variant Classification Criteria 13 December 2019. Collection method: clinical testing. Allele origin: germline.
Comment: the same text as in the submission from Illumina Laboratory Services, Illumina above.

Breakthrough Genomics
Classification: Likely benign. Review status: criteria provided, single submitter. Criteria: ACMG Guidelines, 2015. Collection method: not provided. Allele origin: germline. Inheritance: Autosomal recessive inheritance. Affected: yes.

PreventionGenetics, part of Exact Sciences
Classification: Benign. Review status: criteria provided, single submitter. Criteria: ACMG Guidelines, 2015. Collection method: clinical testing. Allele origin: germline.

Genome Diagnostics Laboratory, University Medical Center Utrecht
Classification: Benign. Review status: no assertion criteria provided. Collection method: clinical testing. Allele origin: germline. Affected: yes. Study: VKGL Data-share Consensus. Not counted in ClinVar's aggregate classification.

Joint Genome Diagnostic Labs from Nijmegen and Maastricht, Radboudumc and MUMC+
Classification: Benign. Review status: no assertion criteria provided. Collection method: clinical testing. Allele origin: germline. Affected: yes. Study: VKGL Data-share Consensus. Not counted in ClinVar's aggregate classification.

NM_002292.4(LAMB2):c.306C>T (p.Asn102=)

Gene: LAMB2 (laminin subunit beta 2; minus strand). Cytogenetic location: 3p21.31.
Variant type: single nucleotide variant.
Coding change: c.306C>T on transcript NM_002292.4 (MANE Select); coding-DNA position 306, C replaced by T.
Protein change: p.Asn102=; no amino-acid change (asparagine 102 retained).
Molecular consequence: synonymous variant.
Genome position (GRCh38, 1-based): chr3:49,132,349, G>A on the plus strand (C>T on the coding strand, the complement: LAMB2 is on the minus strand). VCF-style: chr3-49132349-G-A. GRCh37 (hg19) VCF-style: chr3-49169782-G-A.
Other names: p.Asn102=.
Identifiers: ClinVar variation 258607 (VCV000258607.26), dbSNP rs79448908, ClinGen allele CA2394966.